The following is an entry in ClinVar:

ClinVar aggregate classification (germline): Uncertain significance (1 of 4 stars; one submission).

Conditions:
Inborn genetic diseases. Identifiers: MedGen C0950123, MeSH D030342.

Submission:

Ambry Genetics
Classification: Uncertain significance for Inborn genetic diseases. Last evaluated: 2025-09-26. Review status: criteria provided, single submitter. Criteria: Ambry Variant Classification Scheme 2023. Collection method: clinical testing. Allele origin: germline.
Comment: The c.900+1G>A intronic alteration consists of a G to A substitution one nucleotide after Intron 11 (C) of the CAMK2A gene. Alterations that disrupt the canonical splice site are expected to cause aberrant splicing, resulting in an abnormal protein or a transcript that is subject to nonsense-mediated mRNA decay. However, loss of function of CAMK2A has not been established as a mechanism of disease. This variant was not reported in population-based cohorts in the Genome Aggregation Database (gnomAD). This nucleotide position is highly conserved in available vertebrate species. In silico splice site analysis predicts that this alteration will weaken the native splice donor site and will result in the creation or strengthening of a novel splice donor site. Based on insufficient or conflicting evidence, the clinical significance of this alteration remains unclear.

NM_015981.4(CAMK2A):c.900+1G>A

Gene: CAMK2A (calcium/calmodulin dependent protein kinase II alpha; minus strand). Cytogenetic location: 5q32.
Variant type: single nucleotide variant.
Coding change: c.900+1G>A on transcript NM_015981.4 (MANE Select); the canonical splice donor site of the intron after coding-DNA position 900, G replaced by A.
Molecular consequence: splice donor variant.
Genome position (GRCh38, 1-based): chr5:150,250,225, C>T on the plus strand (G>A on the coding strand, the complement: CAMK2A is on the minus strand). VCF-style: chr5-150250225-C-T. GRCh37 (hg19) VCF-style: chr5-149629788-C-T.
Other names: c.900+1G>A (NM_001363990.1, NM_001363989.1, NM_171825.3 and 1 more transcripts).
Identifiers: ClinVar variation 4604388 (VCV004604388.1).